The following is an entry in ClinVar:

NM_020831.6(MRTFA):c.2637G>A (p.Pro879=)

Gene: MRTFA (myocardin related transcription factor A; minus strand). Cytogenetic location: 22q13.1.
Variant type: single nucleotide variant.
Coding change: c.2637G>A on transcript NM_020831.6 (MANE Select); coding-DNA position 2637, G replaced by A.
Protein change: p.Pro879=; no amino-acid change (proline 879 retained).
Molecular consequence: synonymous variant. On other transcripts: missense variant (1).
Genome position (GRCh38, 1-based): chr22:40,411,849, C>T on the plus strand (G>A on the coding strand, the complement: MRTFA is on the minus strand). VCF-style: chr22-40411849-C-T. GRCh37 (hg19) VCF-style: chr22-40807853-C-T.
Other names: c.2347G>A (NM_001282662.1); c.2337G>A, p.Pro779= (NM_001282660.2); c.2487G>A, p.Pro829= (NM_001282661.3); c.2647G>A, p.Glu883Lys (NM_001282662.3); c.2442G>A, p.Pro814= (NM_001318139.2); short protein forms E883K.
Identifiers: ClinVar variation 1913956 (VCV001913956.7), dbSNP rs371656671, ClinGen allele CA10249247.
Genomic context (GRCh38, chr22:40,411,849, plus strand): 5'-CTGGGGGAGCTCAGCAGAAGGTGATGGCTGTGCTGCCAGGGGGGACCCACAGACTGTCTT[C>T]GGGGATGGCTTCTCCTTCCCTGGCAGGGATGGCGGCTCCTTGAAATCTGCTGAAATTTCT-3'
Protein context (NP_065882.2, residues 869-889): PSLPGKEKPS[Pro879=]KTVCGSPLAA

ClinVar aggregate classification (germline): Conflicting classifications of pathogenicity. Review status: criteria provided, conflicting classifications (1 of 4 stars). 3 submissions from 3 submitters: Uncertain significance (1); Likely benign (2). Last evaluated 2025-12-26.

Conditions:
MRTFA-related disorder. Also called: MRTFA-related condition.

Allele frequency attached by ClinVar (database versions not stated): gnomAD 0.00002; TOPMed 0.00002; gnomAD exomes 0.00003; ExAC 0.00005; ESP Exome Variant Server 0.00008.

Submissions (3):

PreventionGenetics, part of Exact Sciences
Classification: Uncertain significance for MRTFA-related condition. Last evaluated: 2025-12-26. Review status: criteria provided, single submitter. Criteria: ACMG Guidelines, 2015. Collection method: clinical testing. Allele origin: germline.
Comment: The MRTFA c.2347G>A variant is predicted to result in the amino acid substitution p.Glu783Lys. In an alternate transcript (NM_020831.4), this variant is also known as a synonymous change [c.2337G>A (p.=)]. To our knowledge, this variant has not been reported in the literature. This variant is reported in 0.0048% of alleles in individuals of European (Non-Finnish) descent in gnomAD. Although we suspect that this variant may be benign, at this time, the clinical significance of this variant is uncertain due to the absence of conclusive functional and genetic evidence.

Labcorp Genetics (formerly Invitae), Labcorp
Classification: Likely benign. Last evaluated: 2024-12-23. Review status: criteria provided, single submitter. Criteria: Invitae Variant Classification Sherloc (09022015). Collection method: clinical testing. Allele origin: germline.

Blueprint Genetics
Classification: Likely benign. Last evaluated: 2023-04-25. Review status: criteria provided, single submitter. Criteria: ACMG Guidelines, 2015. Collection method: clinical testing. Allele origin: germline.